The following is an entry in ClinVar:

NM_021942.6(TRAPPC11):c.2125_2126insGAC (p.Asp709delinsGlyHis)

Gene: TRAPPC11 (trafficking protein particle complex subunit 11; plus strand). Cytogenetic location: 4q35.1.
Variant type: Insertion.
Coding change: c.2125_2126insGAC on transcript NM_021942.6 (MANE Select); coding-DNA positions 2125 to 2126, GAC inserted.
Protein change: p.Asp709delinsGlyHis.
Molecular consequence: inframe indel.
Genome position: GRCh38 VCF-style: chr4-183693035-G-GGAC. GRCh37 (hg19) VCF-style: chr4-184614188-G-GGAC.
Other names: c.2125_2126insGAC, p.Asp709delinsGlyHis (NM_199053.3).
Identifiers: ClinVar variation 2691296 (VCV002691296.3), dbSNP rs760027865, ClinGen allele CA3152112.

ClinVar aggregate classification (germline): Uncertain significance. Review status: criteria provided, multiple submitters, no conflicts (2 of 4 stars). 2 submissions from 2 submitters: Uncertain significance (2). Last evaluated 2024-10-22.

Conditions:
Autosomal recessive limb-girdle muscular dystrophy type R18 (LGMDR18). Also called: Autosomal recessive limb-girdle muscular dystrophy type 2S; Limb-girdle muscular dystrophy, type 2S; MUSCULAR DYSTROPHY, LIMB-GIRDLE, AUTOSOMAL RECESSIVE 18. Identifiers: Orphanet 369840, MedGen C4517996, MONDO:0014144, OMIM 615356.

Allele frequency attached by ClinVar (database versions not stated): TOPMed below 0.00001; gnomAD 0.00001; ExAC 0.00002; gnomAD exomes 0.00002.

Submissions (2):

Labcorp Genetics (formerly Invitae), Labcorp
Classification: Uncertain significance for Autosomal recessive limb-girdle muscular dystrophy type R18. Last evaluated: 2024-10-22. Review status: criteria provided, single submitter. Criteria: Invitae Variant Classification Sherloc (09022015). Collection method: clinical testing. Allele origin: germline.
Comment: This variant, c.2125_2126insGAC, is a complex sequence change that results in the deletion of 1 and insertion of 2 amino acid(s) in the TRAPPC11 protein (p.Asp709delinsGlyHis). This variant is present in population databases (rs760027865, gnomAD 0.03%). This variant has not been reported in the literature in individuals affected with TRAPPC11-related conditions. Experimental studies and prediction algorithms are not available or were not evaluated, and the functional significance of this variant is currently unknown. In summary, the available evidence is currently insufficient to determine the role of this variant in disease. Therefore, it has been classified as a Variant of Uncertain Significance.

Women's Health and Genetics/Laboratory Corporation of America, LabCorp
Classification: Uncertain significance. Last evaluated: 2023-12-15. Review status: criteria provided, single submitter. Criteria: LabCorp Variant Classification Summary - May 2015. Collection method: clinical testing. Allele origin: germline.
Comment: Variant summary: TRAPPC11 c.2125_2126insGAC (p.Asp709delinsGlyHis) results in an in-frame deletion-insertion that is predicted to delete one amino acid and insert two novel amino acids in the encoded protein. The variant allele was found at a frequency of 4e-05 in 251194 control chromosomes. This frequency is not significantly higher than estimated for a pathogenic variant in TRAPPC11 causing Limb-Girdle Muscular Dystrophy, Autosomal Recessive (4e-05 vs 0.00072), allowing no conclusion about variant significance. To our knowledge, no occurrence of c.2125_2126insGAC in individuals affected with Limb-Girdle Muscular Dystrophy, Autosomal Recessive and no experimental evidence demonstrating its impact on protein function have been reported. No submitters have cited clinical-significance assessments for this variant to ClinVar after 2014. Based on the evidence outlined above, the variant was classified as uncertain significance.